The following is an entry in ClinVar:

NM_001376.5(DYNC1H1):c.12431T>C (p.Ile4144Thr)

Gene: DYNC1H1 (dynein cytoplasmic 1 heavy chain 1; plus strand). Cytogenetic location: 14q32.31.
Variant type: single nucleotide variant.
Coding change: c.12431T>C on transcript NM_001376.5 (MANE Select); coding-DNA position 12431, T replaced by C.
Protein change: p.Ile4144Thr; replaces isoleucine 4144 with threonine.
Molecular consequence: missense variant.
Genome position (GRCh38, 1-based): chr14:102,042,666, T>C. VCF-style: chr14-102042666-T-C. GRCh37 (hg19) VCF-style: chr14-102509003-T-C.
Other names: short protein forms I4144T.
Identifiers: ClinVar variation 1315405 (VCV001315405.2), dbSNP rs2152596765, ClinGen allele CA391041399.
Genomic context (GRCh38, chr14:102,042,666, plus strand): 5'-AGCATAACTGGAACGGCGCTCTCCCTTAGGTGCCTGTGAATCTGCTCCGTGCGGGCCGCA[T>C]CTTTGTGTTCGAGCCACCGCCAGGGGTGAAGGCCAACATGCTGAGGACGTTCAGCAGCAT-3'
Protein context (NP_001367.2, residues 4134-4154): VPVNLLRAGR[Ile4144Thr]FVFEPPPGVK

ClinVar aggregate classification (germline): Uncertain significance (1 of 4 stars; one submission).

Submission:

GeneDx
Classification: Uncertain significance. Last evaluated: 2020-02-12. Review status: criteria provided, single submitter. Criteria: GeneDx Variant Classification Process June 2021. Collection method: clinical testing. Allele origin: germline. Affected: yes.
Comment: Not observed in large population cohorts (Lek et al., 2016); In silico analysis supports that this missense variant has a deleterious effect on protein structure/function; Has not been previously published as pathogenic or benign to our knowledge